The following is an entry in ClinVar:

ClinVar aggregate classification (germline): Uncertain significance (1 of 4 stars; one submission).

Conditions:
Early-onset Parkinson disease 20. Also called: PARKINSON DISEASE 20, AUTOSOMAL RECESSIVE EARLY-ONSET. Identifiers: Orphanet 391411, MedGen C3809824, MONDO:0014233, OMIM 615530.
Developmental and epileptic encephalopathy, 53. Also called: Epileptic encephalopathy, early infantile, 53. Identifiers: MedGen C4479313, MONDO:0033362, OMIM 617389.

Submission:

Labcorp Genetics (formerly Invitae), Labcorp
Classification: Uncertain significance for Developmental and epileptic encephalopathy, 53; Early-onset Parkinson disease 20. Last evaluated: 2019-07-23. Review status: criteria provided, single submitter. Criteria: Invitae Variant Classification Sherloc (09022015). Collection method: clinical testing. Allele origin: germline.
Comment: In summary, the available evidence is currently insufficient to determine the role of this variant in disease. Therefore, it has been classified as a Variant of Uncertain Significance. Algorithms developed to predict the effect of missense changes on protein structure and function (SIFT, PolyPhen-2, Align-GVGD) all suggest that this variant is likely to be tolerated, but these predictions have not been confirmed by published functional studies and their clinical significance is uncertain. This variant has not been reported in the literature in individuals with SYNJ1-related conditions. This variant is not present in population databases (ExAC no frequency). This sequence change replaces alanine with serine at codon 1377 of the SYNJ1 protein (p.Ala1377Ser). The alanine residue is weakly conserved and there is a moderate physicochemical difference between alanine and serine.

NM_203446.3(SYNJ1):c.*100G>T

Gene: SYNJ1 (synaptojanin 1; minus strand). Cytogenetic location: 21q22.11.
Variant type: single nucleotide variant.
Coding change: c.*100G>T on transcript NM_203446.3 (MANE Select); 100 bases downstream of the stop codon, G replaced by T.
Molecular consequence: 3 prime UTR variant. On other transcripts: missense variant (2).
Genome position (GRCh38, 1-based): chr21:32,631,705, C>A on the plus strand (G>T on the coding strand, the complement: SYNJ1 is on the minus strand). VCF-style: chr21-32631705-C-A. GRCh37 (hg19) VCF-style: chr21-34004015-C-A.
Other names: c.*100G>T (NM_001160302.2); c.3871G>T, p.Ala1291Ser (NM_001160306.2); c.4129G>T, p.Ala1377Ser (NM_003895.4); short protein forms A1291S, A1377S.
Identifiers: ClinVar variation 954583 (VCV000954583.10), dbSNP rs2039335923, ClinGen allele CA410083052.
Genomic context (GRCh38, chr21:32,631,705, plus strand): 5'-ACTGAATCAACCTCTTTGGGTCTGGGGTGGGAACAGGTGACGTTTGAACAGATAGCTGAG[C>A]CTTTGATACAGCAAGCAGATTAAATGACAGATCTTCAAATGGGTCAATCTTTAATGGTGA-3'